The following is an entry in ClinVar:

NM_001829.4(CLCN3):c.458T>A (p.Met153Lys)

Gene: CLCN3 (chloride voltage-gated channel 3; plus strand). Cytogenetic location: 4q33.
Variant type: single nucleotide variant.
Coding change: c.458T>A on transcript NM_001829.4 (MANE Select); coding-DNA position 458, T replaced by A.
Protein change: p.Met153Lys; replaces methionine 153 with lysine.
Molecular consequence: missense variant.
Genome position (GRCh38, 1-based): chr4:169,689,082, T>A. VCF-style: chr4-169689082-T-A. GRCh37 (hg19) VCF-style: chr4-170610233-T-A.
Other names: c.458T>A, p.Met153Lys (NM_001243372.2, NM_173872.4); c.377T>A, p.Met126Lys (NM_001243374.2); short protein forms M153K, M126K.
Identifiers: ClinVar variation 3833771 (VCV003833771.2).

ClinVar aggregate classification (germline): Uncertain significance (1 of 4 stars; one submission).

Conditions:
Inborn genetic diseases. Identifiers: MedGen C0950123, MeSH D030342.

Submission:

Ambry Genetics
Classification: Uncertain significance for Inborn genetic diseases. Last evaluated: 2025-06-11. Review status: criteria provided, single submitter. Criteria: Ambry Variant Classification Scheme 2023. Collection method: clinical testing. Allele origin: germline.
Comment: The c.458T>A (p.M153K) alteration is located in exon 1 (coding exon 1) of the CLCN3 gene. This alteration results from a T to A substitution at nucleotide position 458, causing the methionine (M) at amino acid position 153 to be replaced by a lysine (K). This variant was not reported in population-based cohorts in the Genome Aggregation Database (gnomAD). This amino acid position is well conserved in available vertebrate species. This missense alteration is located in a region that has a low rate of benign missense variation (Lek, 2016; Firth, 2009). This alteration is predicted to be deleterious by in silico analysis. Based on insufficient or conflicting evidence, the clinical significance of this alteration remains unclear.